The following is an entry in ClinVar:

ClinVar aggregate classification (germline): Likely pathogenic (1 of 4 stars; one submission).

Conditions:
Cystinuria (CSNU). Also called: Cystinuria, non-type I; CYSTINURIA, TYPE I; CYSTINURIA, TYPE II; CYSTINURIA, TYPE III. Identifiers: Orphanet 214, MedGen C0010691, MONDO:0009067, OMIM 220100, HP:0003131.

Submission:

Labcorp Genetics (formerly Invitae), Labcorp
Classification: Likely pathogenic for Cystinuria. Last evaluated: 2017-11-25. Review status: criteria provided, single submitter. Criteria: Invitae Variant Classification Sherloc (09022015). Collection method: clinical testing. Allele origin: germline.
Comment: In summary, the currently available evidence indicates that the variant is pathogenic, but additional data are needed to prove that conclusively. Therefore, this variant has been classified as Likely Pathogenic. Donor and acceptor splice site variants typically lead to a loss of protein function (PMID: 16199547), and loss-of-function variants in SLC3A1 are known to be pathogenic (PMID: 25109415, 25964309). Algorithms developed to predict the effect of sequence changes on RNA splicing suggest that this variant may disrupt the consensus splice site, but this prediction has not been confirmed by published transcriptional studies. This variant has not been reported in the literature in individuals with SLC3A1-related disease. This variant is not present in population databases (ExAC no frequency). This sequence change affects a donor splice site in intron 1 of the SLC3A1 gene. It is expected to disrupt RNA splicing and likely results in an absent or disrupted protein product.

Literature cited by the submitters: PubMed 16199547; PubMed 25109415; PubMed 25964309.

NM_000341.4(SLC3A1):c.430+2T>G

Gene: SLC3A1 (solute carrier family 3 member 1; plus strand). Cytogenetic location: 2p21.
Variant type: single nucleotide variant.
Coding change: c.430+2T>G on transcript NM_000341.4 (MANE Select); the canonical splice donor site of the intron after coding-DNA position 430, T replaced by G.
Molecular consequence: splice donor variant.
Genome position (GRCh38, 1-based): chr2:44,275,967, T>G. VCF-style: chr2-44275967-T-G. GRCh37 (hg19) VCF-style: chr2-44503106-T-G.
Identifiers: ClinVar variation 568132 (VCV000568132.7), dbSNP rs1558450604, ClinGen allele CA346686679.
Genomic context (GRCh38, chr2:44,275,967, plus strand): 5'-CCAGATCTACCCAAGGTCTTTCAAGGACAGTAACAAGGATGGGAACGGAGATCTGAAAGG[T>G]ACATGCCCAGAGATCATTTAGGGTGGGTGCCAGGATGAGATTGGTTTATGGTTCTTTTGT-3'